The following is an entry in ClinVar:

NM_006766.5(KAT6A):c.5183A>G (p.Asn1728Ser)

Gene: KAT6A (lysine acetyltransferase 6A; minus strand). Cytogenetic location: 8p11.21.
Variant type: single nucleotide variant.
Coding change: c.5183A>G on transcript NM_006766.5 (MANE Select); coding-DNA position 5183, A replaced by G.
Protein change: p.Asn1728Ser; replaces asparagine 1728 with serine.
Molecular consequence: missense variant.
Genome position (GRCh38, 1-based): chr8:41,933,037, T>C on the plus strand (A>G on the coding strand, the complement: KAT6A is on the minus strand). VCF-style: chr8-41933037-T-C. GRCh37 (hg19) VCF-style: chr8-41790555-T-C.
Other names: short protein forms N1728S.
Identifiers: ClinVar variation 2760019 (VCV002760019.3), dbSNP rs1564003075, ClinGen allele CA371063434.

ClinVar aggregate classification (germline): Uncertain significance (1 of 4 stars; one submission).

Submission:

Labcorp Genetics (formerly Invitae), Labcorp
Classification: Uncertain significance. Last evaluated: 2023-09-11. Review status: criteria provided, single submitter. Criteria: Invitae Variant Classification Sherloc (09022015). Collection method: clinical testing. Allele origin: germline.
Comment: In summary, the available evidence is currently insufficient to determine the role of this variant in disease. Therefore, it has been classified as a Variant of Uncertain Significance. Experimental studies and prediction algorithms are not available or were not evaluated, and the functional significance of this variant is currently unknown. This sequence change replaces asparagine, which is neutral and polar, with serine, which is neutral and polar, at codon 1728 of the KAT6A protein (p.Asn1728Ser). This variant is not present in population databases (gnomAD no frequency). This variant has not been reported in the literature in individuals affected with KAT6A-related conditions.